The following is an entry in ClinVar:

ClinVar aggregate classification (germline): Pathogenic (1 of 4 stars; one submission).

Conditions:
Epilepsy. Also called: Seizure disorder. Identifiers: MedGen C0014544, MeSH D004827, MONDO:0005027.

Submission:

Labcorp Genetics (formerly Invitae), Labcorp
Classification: Pathogenic for Epilepsy. Last evaluated: 2022-04-17. Review status: criteria provided, single submitter. Criteria: Invitae Variant Classification Sherloc (09022015). Collection method: clinical testing. Allele origin: germline.
Comment: For these reasons, this variant has been classified as Pathogenic. This variant has not been reported in the literature in individuals affected with PIGQ-related conditions. This variant is not present in population databases (gnomAD no frequency). This sequence change creates a premature translational stop signal (p.His304Ilefs*24) in the PIGQ gene. It is expected to result in an absent or disrupted protein product. Loss-of-function variants in PIGQ are known to be pathogenic (PMID: 24463883, 25558065).

Literature cited by the submitters: PubMed 24463883; PubMed 25558065.

NM_004204.5(PIGQ):c.909del (p.His304fs)

Gene: PIGQ (phosphatidylinositol glycan anchor biosynthesis class Q; plus strand). Cytogenetic location: 16p13.3.
Variant type: Deletion.
Coding change: c.909del on transcript NM_004204.5 (MANE Select); coding-DNA position 909, one base deleted (G; older notation c.909delG).
Protein change: p.His304fs; shifts the reading frame from histidine 304.
Molecular consequence: frameshift variant.
Genome position (GRCh38, 1-based): chr16:576,221, G deleted; the last of 3 consecutive G bases (chr16:576,219-576,221); deleting any one gives the same sequence. VCF-style (leftmost placement, unchanged base first): chr16-576218-CG-C. GRCh37 (hg19) VCF-style: chr16-626218-CG-C.
Other names: c.909del, p.His304fs (NM_148920.4); short protein forms H304fs.
Identifiers: ClinVar variation 2127429 (VCV002127429.4), dbSNP rs2505933639, ClinGen allele CA2580090892.